The following is an entry in ClinVar:

ClinVar aggregate classification (germline): Uncertain significance. Review status: criteria provided, multiple submitters, no conflicts (2 of 4 stars). 2 submissions from 2 submitters: Uncertain significance (2). Last evaluated 2024-04-06.

Conditions:
Kabuki syndrome 2 (KABUK2). Also called: KDM6A-Related Kabuki Syndrome. Identifiers: Orphanet 2322, MedGen C3275495, MONDO:0010465, OMIM 300867.
Inborn genetic diseases. Identifiers: MedGen C0950123, MeSH D030342.

Submissions (2):

Labcorp Genetics (formerly Invitae), Labcorp
Classification: Uncertain significance for Kabuki syndrome 2. Last evaluated: 2024-04-06. Review status: criteria provided, single submitter. Criteria: Invitae Variant Classification Sherloc (09022015). Collection method: clinical testing. Allele origin: germline.
Comment: This sequence change replaces glycine, which is neutral and non-polar, with arginine, which is basic and polar, at codon 586 of the KDM6A protein (p.Gly586Arg). This variant is not present in population databases (gnomAD no frequency). This variant has not been reported in the literature in individuals affected with KDM6A-related conditions. Advanced modeling of protein sequence and biophysical properties (such as structural, functional, and spatial information, amino acid conservation, physicochemical variation, residue mobility, and thermodynamic stability) performed at Invitae indicates that this missense variant is not expected to disrupt KDM6A protein function with a negative predictive value of 80%. In summary, the available evidence is currently insufficient to determine the role of this variant in disease. Therefore, it has been classified as a Variant of Uncertain Significance.

Ambry Genetics
Classification: Uncertain significance for Inborn genetic diseases. Last evaluated: 2024-03-30. Review status: criteria provided, single submitter. Criteria: Ambry Variant Classification Scheme 2023. Collection method: clinical testing. Allele origin: germline.

NM_001291415.2(KDM6A):c.1912G>A (p.Gly638Arg)

Gene: KDM6A (lysine demethylase 6A; plus strand). Cytogenetic location: Xp11.3.
Variant type: single nucleotide variant.
Coding change: c.1912G>A on transcript NM_001291415.2 (MANE Select); coding-DNA position 1912, G replaced by A.
Protein change: p.Gly638Arg; replaces glycine 638 with arginine.
Molecular consequence: missense variant. On other transcripts: non-coding transcript variant (1).
Genome position (GRCh38, 1-based): chrX:45,063,650, G>A. VCF-style: chrX-45063650-G-A. GRCh37 (hg19) VCF-style: chrX-44922895-G-A.
Other names: c.1777G>A, p.Gly593Arg (NM_001291416.2, NM_001419811.1); c.1654G>A, p.Gly552Arg (NM_001419814.1, NM_001410742.1); c.1519G>A, p.Gly507Arg (NM_001419815.1, NM_001291418.2); c.1756G>A, p.Gly586Arg (NM_021140.4, NM_001419812.1); c.1621G>A, p.Gly541Arg (NM_001291417.2); c.868G>A, p.Gly290Arg (NM_001291421.2); c.1912G>A, p.Gly638Arg (NM_001419809.1); c.1810G>A, p.Gly604Arg (NM_001419810.1, NM_001419813.1); short protein forms G541R, G604R, G290R, G593R, G638R, G552R, G586R, G507R.
Identifiers: ClinVar variation 3287961 (VCV003287961.3).
Genomic context (GRCh38, chrX:45,063,650, plus strand): 5'-CCTTTGGCCAATGGACCCTTTTCTGCAGGCCATGTTCCCTGTAGCACATCAAGAACGCTG[G>A]GAAGTACAGACACTATTTTGATAGGCAATAATCATATAACAGGAAGTGGAAGTAATGGAA-3'
Protein context (NP_001278344.1, residues 628-648): HVPCSTSRTL[Gly638Arg]STDTILIGNN